The following is an entry in ClinVar:

ClinVar aggregate classification (germline): Uncertain significance (1 of 4 stars; one submission).

Conditions:
Eichsfeld type congenital muscular dystrophy (CMYO3). Also called: MYOPATHY, SEPN1-RELATED; Rigid spine muscular dystrophy 1; SELENON-related myopathy; Congenital myopathy 3 with rigid spine. Identifiers: MedGen C0410180, MONDO:0100100, OMIM 602771.

Allele frequency attached by ClinVar (database versions not stated): gnomAD exomes below 0.00001 and 0.00001; ExAC 0.00001.

Submission:

Labcorp Genetics (formerly Invitae), Labcorp
Classification: Uncertain significance for Eichsfeld type congenital muscular dystrophy. Last evaluated: 2022-08-22. Review status: criteria provided, single submitter. Criteria: Invitae Variant Classification Sherloc (09022015). Collection method: clinical testing. Allele origin: germline.
Comment: This sequence change replaces proline, which is neutral and non-polar, with serine, which is neutral and polar, at codon 244 of the SELENON protein (p.Pro244Ser). This variant is present in population databases (rs775003175, gnomAD 0.003%). This variant has not been reported in the literature in individuals affected with SELENON-related conditions. ClinVar contains an entry for this variant (Variation ID: 940346). Algorithms developed to predict the effect of missense changes on protein structure and function (SIFT, PolyPhen-2, Align-GVGD) all suggest that this variant is likely to be tolerated. In summary, the available evidence is currently insufficient to determine the role of this variant in disease. Therefore, it has been classified as a Variant of Uncertain Significance.

NM_206926.2(SELENON):c.628C>T (p.Pro210Ser)

Gene: SELENON (selenoprotein N; plus strand). Cytogenetic location: 1p36.11.
Variant type: single nucleotide variant.
Coding change: c.628C>T on transcript NM_206926.2 (MANE Select); coding-DNA position 628, C replaced by T.
Protein change: p.Pro210Ser; replaces proline 210 with serine.
Molecular consequence: missense variant.
Genome position (GRCh38, 1-based): chr1:25,808,772, C>T. VCF-style: chr1-25808772-C-T. GRCh37 (hg19) VCF-style: chr1-26135263-C-T.
Other names: c.730C>T, p.Pro244Ser (NM_020451.3); short protein forms P210S, P244S.
Identifiers: ClinVar variation 940346 (VCV000940346.7), dbSNP rs775003175, ClinGen allele CA696607.